The following is an entry in ClinVar:

ClinVar aggregate classification (germline): Likely benign. Review status: criteria provided, multiple submitters, no conflicts (2 of 4 stars). 3 submissions from 3 submitters: Likely benign (3). Last evaluated 2025-10-19.

Conditions:
Charcot-Marie-Tooth disease dominant intermediate B (CMTDIB). Also called: Charcot-Marie-Tooth disease dominant intermediate 1; CMT DI1; Charcot-Marie-Tooth disease dominant intermediate I; CHARCOT-MARIE-TOOTH NEUROPATHY, DOMINANT INTERMEDIATE B. Identifiers: Orphanet 100044, Orphanet 228179, MedGen C1847902, MONDO:0011674, OMIM 606482.
DNM2-related disorder. Also called: DNM2-related condition.

Allele frequency attached by ClinVar (database versions not stated): 1000 Genomes Project 30x 0.00016; TOPMed 0.00018; 1000 Genomes Project 0.00020; ESP Exome Variant Server 0.00023.
gnomAD v4.1: 103 of 1,607,352 alleles (0.0064%); highest among the groups gnomAD compares: African/African-American, 0.024%; no homozygotes.

Submissions (3):

Labcorp Genetics (formerly Invitae), Labcorp
Classification: Likely benign for Charcot-Marie-Tooth disease dominant intermediate B. Last evaluated: 2025-10-19. Review status: criteria provided, single submitter. Criteria: Invitae Variant Classification Sherloc (09022015). Collection method: clinical testing. Allele origin: germline.

PreventionGenetics, part of Exact Sciences
Classification: Likely benign for DNM2-related condition. Last evaluated: 2025-08-29. Review status: criteria provided, single submitter. Criteria: ACMG Guidelines, 2015. Collection method: clinical testing. Allele origin: germline.
Comment: This variant is classified as likely benign based on ACMG/AMP sequence variant interpretation guidelines (Richards et al. 2015 PMID: 25741868, with internal and published modifications).

Mayo Clinic Laboratories, Mayo Clinic
Classification: Likely benign. Last evaluated: 2025-06-04. Review status: criteria provided, single submitter. Criteria: ACMG Guidelines, 2015. Collection method: clinical testing. Allele origin: germline. Observed: 3 variant alleles.
Comment: BP4, BP7

NM_001005361.3(DNM2):c.2607C>T (p.Leu869=)

Gene: DNM2 (dynamin 2; plus strand). Cytogenetic location: 19p13.2.
Variant type: single nucleotide variant.
Coding change: c.2607C>T on transcript NM_001005361.3 (MANE Select); coding-DNA position 2607, C replaced by T.
Protein change: p.Leu869=; no amino-acid change (leucine 869 retained).
Molecular consequence: synonymous variant.
Genome position (GRCh38, 1-based): chr19:10,831,041, C>T. VCF-style: chr19-10831041-C-T. GRCh37 (hg19) VCF-style: chr19-10941717-C-T.
Other names: p.Leu869=; c.2607C>T, p.Leu869= (NM_001005360.3); c.2595C>T, p.Leu865= (NM_001005362.3, NM_004945.4); c.2604C>T, p.Leu868= (NM_001190716.2).
Identifiers: ClinVar variation 700678 (VCV000700678.13), dbSNP rs144472798, ClinGen allele CA9201674.